The following is an entry in ClinVar:

ClinVar aggregate classification (germline): Uncertain significance (1 of 4 stars; one submission).

Conditions:
Neurofibromatosis, type 2 (SWNV). Also called: NF2-Related Schwannomatosis; BILATERAL ACOUSTIC NEUROFIBROMATOSIS; SCHWANNOMATOSIS, VESTIBULAR. Identifiers: Orphanet 637, MedGen C0027832, MONDO:0007039, OMIM 101000. Disease mechanism: loss of function.

Submission:

Labcorp Genetics (formerly Invitae), Labcorp
Classification: Uncertain significance for Neurofibromatosis, type 2. Last evaluated: 2025-10-01. Review status: criteria provided, single submitter. Criteria: Invitae Variant Classification Sherloc (09022015). Collection method: clinical testing. Allele origin: germline.
Comment: This sequence change replaces tyrosine, which is neutral and polar, with cysteine, which is neutral and slightly polar, at codon 132 of the NF2 protein (p.Tyr132Cys). This variant is not present in population databases (gnomAD no frequency). This variant has not been reported in the literature in individuals affected with NF2-related conditions. ClinVar contains an entry for this variant (Variation ID: 1993940). Invitae Evidence Modeling of protein sequence and biophysical properties (such as structural, functional, and spatial information, amino acid conservation, physicochemical variation, residue mobility, and thermodynamic stability) indicates that this missense variant is expected to disrupt NF2 protein function with a positive predictive value of 80%. In summary, the available evidence is currently insufficient to determine the role of this variant in disease. Therefore, it has been classified as a Variant of Uncertain Significance.

NM_000268.4(NF2):c.395A>G (p.Tyr132Cys)

Gene: NF2 (NF2, moesin-ezrin-radixin like (MERLIN) tumor suppressor; plus strand). Cytogenetic location: 22q12.2.
Variant type: single nucleotide variant.
Coding change: c.395A>G on transcript NM_000268.4 (MANE Select); coding-DNA position 395, A replaced by G.
Protein change: p.Tyr132Cys; replaces tyrosine 132 with cysteine.
Molecular consequence: missense variant. On other transcripts: non-coding transcript variant (1).
Genome position (GRCh38, 1-based): chr22:29,642,233, A>G. VCF-style: chr22-29642233-A-G. GRCh37 (hg19) VCF-style: chr22-30038222-A-G.
Other names: c.281A>G, p.Tyr94Cys (NM_001407053.1, NM_001407056.1); c.272A>G, p.Tyr91Cys (NM_001407054.1, NM_001407058.1, NM_001407062.1 and 1 more transcripts); c.269A>G, p.Tyr90Cys (NM_001407055.1, NM_181828.3); c.395A>G, p.Tyr132Cys (NM_001407057.1, NM_001407059.1, NM_001407060.1 and 5 more transcripts); c.146A>G, p.Tyr49Cys (NM_001407063.1, NM_001407064.1, NM_181830.3 and 1 more transcripts); c.-246A>G (NM_001407065.1); c.164A>G, p.Tyr55Cys (NM_001407067.1); short protein forms Y91C, Y55C, Y94C, Y132C, Y49C, Y90C.
Identifiers: ClinVar variation 1993940 (VCV001993940.4), dbSNP rs2146893412, ClinGen allele CA411153785.